The following is an entry in ClinVar:

NM_006031.6(PCNT):c.9572G>A (p.Arg3191His)

Gene: PCNT (pericentrin; plus strand). Cytogenetic location: 21q22.3.
Variant type: single nucleotide variant.
Coding change: c.9572G>A on transcript NM_006031.6 (MANE Select); coding-DNA position 9572, G replaced by A.
Protein change: p.Arg3191His; replaces arginine 3191 with histidine.
Molecular consequence: missense variant.
Genome position (GRCh38, 1-based): chr21:46,441,033, G>A. VCF-style: chr21-46441033-G-A. GRCh37 (hg19) VCF-style: chr21-47860946-G-A.
Other names: c.8981G>A, p.Arg2994His (NM_001315529.2); short protein forms R2994H, R3191H.
Identifiers: ClinVar variation 3899920 (VCV003899920.2).
Genomic context (GRCh38, chr21:46,441,033, plus strand): 5'-TCTCCATGATTGCCCATTTGGGGGTATTTCCTTCCAAAGCAGAACGGAAAATCACATCTC[G>A]TCCTTTCACCAGGTTCCGCACGGCCGTCAGGGTGGTCATTGCAATATTAAGGTAAATGCC-3'
Protein context (NP_006022.3, residues 3181-3201): PSKAERKITS[Arg3191His]PFTRFRTAVR

ClinVar aggregate classification (germline): Conflicting classifications of pathogenicity. Review status: criteria provided, conflicting classifications (1 of 4 stars). 2 submissions from 2 submitters: Pathogenic (1); Uncertain significance (1). Last evaluated 2021-09-08.

Conditions:
Microcephalic osteodysplastic primordial dwarfism type II (MOPD2). Also called: Microcephalic osteodysplastic primordial dwarfism with tooth abnormalities; MOPD II; OSTEODYSPLASTIC PRIMORDIAL DWARFISM, TYPE II. Identifiers: Orphanet 2637, MedGen C0432246, MONDO:0008872, OMIM 210720.

gnomAD v4.1: 6 of 1,614,126 alleles (0.00037%); highest among the groups gnomAD compares: South Asian, 0.0011%; no homozygotes.

Submissions (2):

Blueprint Genetics
Classification: Uncertain significance. Last evaluated: 2021-09-08. Review status: criteria provided, single submitter. Criteria: ACMG Guidelines, 2015. Collection method: clinical testing. Allele origin: germline.

Dr. Orhan Ocalgiray Molecular Biology-Biotechnology and Genetics Research Centre (MOBGAM), Istanbul Technical University
Classification: Pathogenic for Microcephalic osteodysplastic primordial dwarfism type II. Review status: criteria provided, single submitter. Criteria: ACMG Guidelines, 2015. Collection method: research. Allele origin: germline. Inheritance: Autosomal recessive inheritance. Affected: yes. Observed: 1 homozygote.
Comment: The PCNT variant c.9572G>A (p.Arg3191His) was identified in the homozygous state in three affected siblings, suggesting segregation with the disease phenotype. It has a relatively high CADD score of 25.6, supporting a pathogenic impact.